The following is an entry in ClinVar:

ClinVar aggregate classification (germline): Uncertain significance (1 of 4 stars; one submission).

Conditions:
Aortic aneurysm, familial thoracic 4 (AAT4). Also called: AORTIC ANEURYSM/AORTIC DISSECTION AND PATENT DUCTUS ARTERIOSUS. Identifiers: MedGen C1851504, MONDO:0007568, OMIM 132900.

Submission:

Labcorp Genetics (formerly Invitae), Labcorp
Classification: Uncertain significance for Aortic aneurysm, familial thoracic 4. Last evaluated: 2023-03-17. Review status: criteria provided, single submitter. Criteria: Invitae Variant Classification Sherloc (09022015). Collection method: clinical testing. Allele origin: germline.
Comment: This variant is not present in population databases (gnomAD no frequency). This sequence change replaces methionine, which is neutral and non-polar, with isoleucine, which is neutral and non-polar, at codon 90 of the MYH11 protein (p.Met90Ile). This variant has not been reported in the literature in individuals affected with MYH11-related conditions. In summary, the available evidence is currently insufficient to determine the role of this variant in disease. Therefore, it has been classified as a Variant of Uncertain Significance. Advanced modeling of protein sequence and biophysical properties (such as structural, functional, and spatial information, amino acid conservation, physicochemical variation, residue mobility, and thermodynamic stability) performed at Invitae indicates that this missense variant is not expected to disrupt MYH11 protein function.

NM_002474.3(MYH11):c.270G>A (p.Met90Ile)

Gene: MYH11 (myosin heavy chain 11; minus strand). Cytogenetic location: 16p13.11.
Variant type: single nucleotide variant.
Coding change: c.270G>A on transcript NM_002474.3 (MANE Select); coding-DNA position 270, G replaced by A.
Protein change: p.Met90Ile; replaces methionine 90 with isoleucine.
Molecular consequence: missense variant.
Genome position (GRCh38, 1-based): chr16:15,837,983, C>T on the plus strand (G>A on the coding strand, the complement: MYH11 is on the minus strand). VCF-style: chr16-15837983-C-T. GRCh37 (hg19) VCF-style: chr16-15931840-C-T.
Other names: c.270G>A, p.Met90Ile (NM_001040113.2, NM_001040114.2, NM_022844.3); short protein forms M90I.
Identifiers: ClinVar variation 2835732 (VCV002835732.1), dbSNP rs2507036418, ClinGen allele CA395198296.